The following is an entry in ClinVar:

NM_001792.5(CDH2):c.1057G>A (p.Asp353Asn)

Gene: CDH2 (cadherin 2; minus strand). Cytogenetic location: 18q12.1.
Variant type: single nucleotide variant.
Coding change: c.1057G>A on transcript NM_001792.5 (MANE Select); coding-DNA position 1057, G replaced by A.
Protein change: p.Asp353Asn; replaces aspartic acid 353 with asparagine.
Molecular consequence: missense variant.
Genome position (GRCh38, 1-based): chr18:27,993,601, C>T on the plus strand (G>A on the coding strand, the complement: CDH2 is on the minus strand). VCF-style: chr18-27993601-C-T. GRCh37 (hg19) VCF-style: chr18-25573565-C-T.
Other names: c.964G>A, p.Asp322Asn (NM_001308176.2); short protein forms D322N, D353N.
Identifiers: ClinVar variation 805758 (VCV000805758.4), dbSNP rs1599017933, ClinGen allele CA402111677.

ClinVar aggregate classification (germline): Likely pathogenic. Review status: criteria provided, single submitter (1 of 4 stars). 3 submissions from 3 submitters: Likely pathogenic (1). 2 of the submissions do not count toward it. Last evaluated 2020-05-29.

Conditions:
Corpus callosum, agenesis of. Also called: Corpus callosum agenesis; Mental retardation hypoplastic corpus callosum preauricular tag; Da silva syndrome; Isolated corpus callosum agenesis; Agenesis of the corpus callosum. Identifiers: Orphanet 200, MedGen C0175754, MONDO:0009022, OMIM 217990, HP:0001274.
Syndromic neurodevelopmental disorder.
Axon pathfinding, cardiac, ocular and genital defects.

Submissions (3):

Broad Center for Mendelian Genomics, Broad Institute of MIT and Harvard
Classification: Likely pathogenic for Corpus callosum, agenesis of. Last evaluated: 2020-05-29. Review status: criteria provided, single submitter. Criteria: ACMG Guidelines, 2015. Collection method: research. Allele origin: germline. Inheritance: Autosomal dominant inheritance.
Comment: Trio exome analysis showed this variant to be de novo. The variant was absent from large population studies. Computational prediction tools and conservation analyses do not provide strong support for or against an impact to the protein. In summary, although additional studies are required to fully establish its clinical significance, this variant is likely pathogenic. ACMG/AMP Criteria applied: PS2, PM2 (Richards 2015).

Core Molecular Diagnostic Lab, McGill University Health Centre
Classification: Pathogenic for Agenesis of corpus callosum; Axon pathfinding, cardiac, ocular and genital defects. Last evaluated: 2019-09-04. Review status: no assertion criteria provided. Criteria: ACMG Guidelines, 2015. Collection method: research. Allele origin: de novo. Affected: yes. Not counted in ClinVar's aggregate classification.

University of Washington Center for Mendelian Genomics, University of Washington
Classification: Likely pathogenic for Syndromic neurodevelopmental disorder. Review status: no assertion criteria provided. Collection method: research. Allele origin: de novo. Affected: yes. Not counted in ClinVar's aggregate classification.

Literature cited by the submitters: PubMed 31585109 (cited by Broad Center for Mendelian Genomics, Broad Institute of MIT and Harvard and University of Washington Center for Mendelian Genomics, University of Washington).